The following is an entry in ClinVar:

NM_002471.4(MYH6):c.2168G>A (p.Arg723Lys)

Gene: MYH6 (myosin heavy chain 6; minus strand). Cytogenetic location: 14q11.2.
Variant type: single nucleotide variant.
Coding change: c.2168G>A on transcript NM_002471.4 (MANE Select); coding-DNA position 2168, G replaced by A.
Protein change: p.Arg723Lys; replaces arginine 723 with lysine.
Molecular consequence: missense variant.
Genome position (GRCh38, 1-based): chr14:23,396,963, C>T on the plus strand (G>A on the coding strand, the complement: MYH6 is on the minus strand). VCF-style: chr14-23396963-C-T. GRCh37 (hg19) VCF-style: chr14-23866172-C-T.
Other names: short protein forms R723K.
Identifiers: ClinVar variation 2873297 (VCV002873297.3), dbSNP rs1891415411, ClinGen allele CA389017445.
Genomic context (GRCh38, chr14:23,396,963, plus strand): 5'-TCCCATCAGGGCAGCCTGGCTCCCCCTGTTCTATGAGCTCTGGGGCACCCTCATACCCAC[C>T]TCTGCCGGAAGTCCCCGTAGAGGATGCGGTTGGGGAAGCCCTTCCTGCAGATGCGGATGC-3'
Protein context (NP_002462.2, residues 713-733): NRILYGDFRQ[Arg723Lys]YRILNPVAIP

ClinVar aggregate classification (germline): Uncertain significance (1 of 4 stars; one submission).

Conditions:
Hypertrophic cardiomyopathy 14. Identifiers: MedGen C2750467, MONDO:0013197, OMIM 613251.

Submission:

Labcorp Genetics (formerly Invitae), Labcorp
Classification: Uncertain significance for Hypertrophic cardiomyopathy 14. Last evaluated: 2022-11-23. Review status: criteria provided, single submitter. Criteria: Invitae Variant Classification Sherloc (09022015). Collection method: clinical testing. Allele origin: germline.
Comment: In summary, the available evidence is currently insufficient to determine the role of this variant in disease. Therefore, it has been classified as a Variant of Uncertain Significance. Variants that disrupt the consensus splice site are a relatively common cause of aberrant splicing (PMID: 17576681, 9536098). Algorithms developed to predict the effect of sequence changes on RNA splicing suggest that this variant may create or strengthen a splice site. Algorithms developed to predict the effect of missense changes on protein structure and function are either unavailable or do not agree on the potential impact of this missense change (SIFT: "Deleterious"; PolyPhen-2: "Benign"; Align-GVGD: "Class C0"). This variant has not been reported in the literature in individuals affected with MYH6-related conditions. This variant is not present in population databases (gnomAD no frequency). This sequence change replaces arginine, which is basic and polar, with lysine, which is basic and polar, at codon 723 of the MYH6 protein (p.Arg723Lys). This variant also falls at the last nucleotide of exon 18, which is part of the consensus splice site for this exon.

Literature cited by the submitters: PubMed 17576681; PubMed 9536098.